The following is an entry in ClinVar:

ClinVar aggregate classification (germline): Uncertain significance. Review status: criteria provided, multiple submitters, no conflicts (2 of 4 stars). 3 submissions from 3 submitters: Uncertain significance (3). Last evaluated 2025-12-09.

Conditions:
Inborn genetic diseases. Identifiers: MedGen C0950123, MeSH D030342.
Neonatal encephalomyopathy-cardiomyopathy-respiratory distress syndrome. Also called: Coenzyme Q10 deficiency, primary, 7. Identifiers: Orphanet 457185, MedGen C5568562, MONDO:0014562, OMIM 616276.

Allele frequency attached by ClinVar (database versions not stated): gnomAD 0.00001; ExAC 0.00002; gnomAD exomes 0.00001; TOPMed 0.00002.
gnomAD v4.1: 22 of 1,614,028 alleles (0.0014%); highest among the groups gnomAD compares: East Asian, 0.0022%; no homozygotes.

Submissions (3):

Ambry Genetics
Classification: Uncertain significance for Inborn genetic diseases. Last evaluated: 2025-12-09. Review status: criteria provided, single submitter. Criteria: Ambry Variant Classification Scheme 2023. Collection method: clinical testing. Allele origin: germline.

GeneDx
Classification: Uncertain significance. Last evaluated: 2023-05-04. Review status: criteria provided, single submitter. Criteria: GeneDx Variant Classification Process June 2021. Collection method: clinical testing. Allele origin: germline. Affected: yes.
Comment: Not observed at significant frequency in large population cohorts (gnomAD); In silico analysis supports that this missense variant does not alter protein structure/function; Has not been previously published as pathogenic or benign to our knowledge

Labcorp Genetics (formerly Invitae), Labcorp
Classification: Uncertain significance for Neonatal encephalomyopathy-cardiomyopathy-respiratory distress syndrome. Last evaluated: 2022-07-06. Review status: criteria provided, single submitter. Criteria: Invitae Variant Classification Sherloc (09022015). Collection method: clinical testing. Allele origin: germline.
Comment: This sequence change replaces arginine, which is basic and polar, with histidine, which is basic and polar, at codon 125 of the COQ4 protein (p.Arg125His). This variant is present in population databases (rs752897625, gnomAD 0.01%). This variant has not been reported in the literature in individuals affected with COQ4-related conditions. Algorithms developed to predict the effect of missense changes on protein structure and function output the following: SIFT: "Tolerated"; PolyPhen-2: "Benign"; Align-GVGD: "Class C0". The histidine amino acid residue is found in multiple mammalian species, which suggests that this missense change does not adversely affect protein function. In summary, the available evidence is currently insufficient to determine the role of this variant in disease. Therefore, it has been classified as a Variant of Uncertain Significance.

NM_016035.5(COQ4):c.374G>A (p.Arg125His)

Gene: COQ4 (coenzyme Q4; plus strand). Cytogenetic location: 9q34.11.
Variant type: single nucleotide variant.
Coding change: c.374G>A on transcript NM_016035.5 (MANE Select); coding-DNA position 374, G replaced by A.
Protein change: p.Arg125His; replaces arginine 125 with histidine.
Molecular consequence: missense variant.
Genome position (GRCh38, 1-based): chr9:128,325,853, G>A. VCF-style: chr9-128325853-G-A. GRCh37 (hg19) VCF-style: chr9-131088132-G-A.
Other names: c.374G>A (NM_016035.3); c.277G>A, p.Ala93Thr (NM_001305942.2); short protein forms A93T, R125H.
Identifiers: ClinVar variation 2165968 (VCV002165968.3), dbSNP rs752897625, ClinGen allele CA5260535.